The following is an entry in ClinVar:

NM_001377295.2(GNAT2):c.162-2A>G

Gene: GNAT2 (G protein subunit alpha transducin 2; minus strand). Cytogenetic location: 1p13.3.
Variant type: single nucleotide variant.
Coding change: c.162-2A>G on transcript NM_001377295.2 (MANE Select); the canonical splice acceptor site of the intron before coding-DNA position 162, A replaced by G.
Molecular consequence: splice acceptor variant.
Genome position (GRCh38, 1-based): chr1:109,610,183, T>C on the plus strand (A>G on the coding strand, the complement: GNAT2 is on the minus strand). VCF-style: chr1-109610183-T-C. GRCh37 (hg19) VCF-style: chr1-110152805-T-C.
Other names: c.162-2A>G (NM_001379232.1, NM_005272.5).
Identifiers: ClinVar variation 1999298 (VCV001999298.4), dbSNP rs2524348349, ClinGen allele CA341542641.

ClinVar aggregate classification (germline): Likely pathogenic (1 of 4 stars; one submission).

Submission:

Labcorp Genetics (formerly Invitae), Labcorp
Classification: Likely pathogenic. Last evaluated: 2023-03-23. Review status: criteria provided, single submitter. Criteria: Invitae Variant Classification Sherloc (09022015). Collection method: clinical testing. Allele origin: germline.
Comment: This sequence change affects an acceptor splice site in intron 2 of the GNAT2 gene. It is expected to disrupt RNA splicing. Variants that disrupt the donor or acceptor splice site typically lead to a loss of protein function (PMID: 16199547), and loss-of-function variants in GNAT2 are known to be pathogenic (PMID: 12077706). This variant is not present in population databases (gnomAD no frequency). This variant has not been reported in the literature in individuals affected with GNAT2-related conditions. ClinVar contains an entry for this variant (Variation ID: 1999298). Algorithms developed to predict the effect of sequence changes on RNA splicing suggest that this variant may disrupt the consensus splice site. In summary, the currently available evidence indicates that the variant is pathogenic, but additional data are needed to prove that conclusively. Therefore, this variant has been classified as Likely Pathogenic.

Literature cited by the submitters: PubMed 16199547; PubMed 12077706.